The following is an entry in ClinVar:

ClinVar aggregate classification (germline): Uncertain significance (1 of 4 stars; one submission).

Submission:

Labcorp Genetics (formerly Invitae), Labcorp
Classification: Uncertain significance. Last evaluated: 2022-07-19. Review status: criteria provided, single submitter. Criteria: Invitae Variant Classification Sherloc (09022015). Collection method: clinical testing. Allele origin: germline.
Comment: In summary, the available evidence is currently insufficient to determine the role of this variant in disease. Therefore, it has been classified as a Variant of Uncertain Significance. Algorithms developed to predict the effect of missense changes on protein structure and function are either unavailable or do not agree on the potential impact of this missense change (SIFT: "Not Available"; PolyPhen-2: "Benign"; Align-GVGD: "Not Available"). This variant has not been reported in the literature in individuals affected with IDH3B-related conditions. This variant is not present in population databases (gnomAD no frequency). This sequence change replaces serine, which is neutral and polar, with arginine, which is basic and polar, at codon 5 of the IDH3B protein (p.Ser5Arg).

NM_006899.5(IDH3B):c.15C>A (p.Ser5Arg)

Gene: IDH3B (isocitrate dehydrogenase (NAD(+)) 3 non-catalytic subunit beta; minus strand). Cytogenetic location: 20p13.
Variant type: single nucleotide variant.
Coding change: c.15C>A on transcript NM_006899.5 (MANE Select); coding-DNA position 15, C replaced by A.
Protein change: p.Ser5Arg; replaces serine 5 with arginine.
Molecular consequence: missense variant. On other transcripts: non-coding transcript variant (1).
Genome position (GRCh38, 1-based): chr20:2,664,174, G>T on the plus strand (C>A on the coding strand, the complement: IDH3B is on the minus strand). VCF-style: chr20-2664174-G-T. GRCh37 (hg19) VCF-style: chr20-2644820-G-T.
Other names: c.15C>A, p.Ser5Arg (NM_001258384.3, NM_001330763.2, NM_174855.4); short protein forms S5R.
Identifiers: ClinVar variation 2094874 (VCV002094874.4), dbSNP rs951416395, ClinGen allele CA310885851.